The following is an entry in ClinVar:

ClinVar aggregate classification (germline): Pathogenic/Likely pathogenic. Review status: criteria provided, multiple submitters, no conflicts (2 of 4 stars). 2 submissions from 2 submitters: Pathogenic (1); Likely pathogenic (1). Last evaluated 2022-03-05.

Conditions:
Familial thoracic aortic aneurysm and aortic dissection (TAAD). Also called: Thoracic aortic aneurysms and dissections. Identifiers: Orphanet 91387, MedGen C4707243, MONDO:0019625.
Marfan syndrome (MFS). Also called: Marfan syndrome, classic; Marfan syndrome type 1; Marfan's syndrome; FBN1-Related Marfan Syndrome; MARFAN SYNDROME, TYPE I. Identifiers: Orphanet 284963, Orphanet 558, MedGen C0024796, MONDO:0007947, OMIM 154700.

Submissions (2):

Labcorp Genetics (formerly Invitae), Labcorp
Classification: Likely pathogenic for Marfan syndrome; Familial thoracic aortic aneurysm and aortic dissection. Last evaluated: 2022-03-05. Review status: criteria provided, single submitter. Criteria: Invitae Variant Classification Sherloc (09022015). Collection method: clinical testing. Allele origin: germline.
Comment: In summary, the currently available evidence indicates that the variant is pathogenic, but additional data are needed to prove that conclusively. Therefore, this variant has been classified as Likely Pathogenic. Algorithms developed to predict the effect of sequence changes on RNA splicing suggest that this variant may disrupt the consensus splice site. ClinVar contains an entry for this variant (Variation ID: 915612). Disruption of this splice site has been observed in individual(s) with clinical features of Marfan syndrome (Invitae). This variant is not present in population databases (gnomAD no frequency). This sequence change affects an acceptor splice site in intron 47 of the FBN1 gene. It is expected to disrupt RNA splicing. Variants that disrupt the donor or acceptor splice site typically lead to a loss of protein function (PMID: 16199547), and loss-of-function variants in FBN1 are known to be pathogenic (PMID: 17657824, 19293843).

CHEO Genetics Diagnostic Laboratory, Children's Hospital of Eastern Ontario
Classification: Pathogenic for Familial thoracic aortic aneurysm and aortic dissection. Last evaluated: 2019-01-31. Review status: criteria provided, single submitter. Criteria: ACMG Guidelines, 2015. Collection method: clinical testing. Allele origin: germline.

Literature cited by the submitters: PubMed 16199547 (cited by Labcorp Genetics (formerly Invitae), Labcorp); PubMed 17657824 (cited by Labcorp Genetics (formerly Invitae), Labcorp); PubMed 19293843 (cited by Labcorp Genetics (formerly Invitae), Labcorp).

NM_000138.5(FBN1):c.5789-1G>A

Gene: FBN1 (fibrillin 1; minus strand). Cytogenetic location: 15q21.1.
Variant type: single nucleotide variant.
Coding change: c.5789-1G>A on transcript NM_000138.5 (MANE Select); the canonical splice acceptor site of the intron before coding-DNA position 5789, G replaced by A.
Molecular consequence: splice acceptor variant.
Genome position (GRCh38, 1-based): chr15:48,445,505, C>T on the plus strand (G>A on the coding strand, the complement: FBN1 is on the minus strand). VCF-style: chr15-48445505-C-T. GRCh37 (hg19) VCF-style: chr15-48737702-C-T.
Other names: c.5789-1G>A (NM_001406716.1).
Identifiers: ClinVar variation 915612 (VCV000915612.6), dbSNP rs2043152080, ClinGen allele CA392340288.
Genomic context (GRCh38, chr15:48,445,505, plus strand): 5'-TATTAATGCATTGGCCATTTCTGCAAAGATTCCCATTTCCACTTGCACATTCATCAACAT[C>T]TGCAGAAAAATCCCCAACAATCCTTTAATATATTCCAAAGATGTCATAATCCCAGCAATA-3'